The following is an entry in ClinVar:

NM_003924.4(PHOX2B):c.556G>A (p.Glu186Lys)

Gene: PHOX2B (paired like homeobox 2B; minus strand). Cytogenetic location: 4p13.
Variant type: single nucleotide variant.
Coding change: c.556G>A on transcript NM_003924.4 (MANE Select); coding-DNA position 556, G replaced by A.
Protein change: p.Glu186Lys; replaces glutamic acid 186 with lysine.
Molecular consequence: missense variant.
Genome position (GRCh38, 1-based): chr4:41,746,196, C>T on the plus strand (G>A on the coding strand, the complement: PHOX2B is on the minus strand). VCF-style: chr4-41746196-C-T. GRCh37 (hg19) VCF-style: chr4-41748213-C-T.
Other names: short protein forms E186K.
Identifiers: ClinVar variation 620600 (VCV000620600.9), dbSNP rs1560465720, ClinGen allele CA356738112.
Genomic context (GRCh38, chr4:41,746,196, plus strand): 5'-GGGTGGGGTTGGGATTGGGACCTGGGCCCCCAGTGCTGTCCGGGTCAGTGCTCTTGGCCT[C>T]TTTGCTCTCGTCGTCCCTGGAAGAGTCAGACTTTTTGCCCGAGGAGCCGTTCTTGGCCGC-3'
Protein context (NP_003915.2, residues 176-196): SDSSRDDESK[Glu186Lys]AKSTDPDSTG

ClinVar aggregate classification (germline): Uncertain significance. Review status: criteria provided, multiple submitters, no conflicts (2 of 4 stars). 3 submissions from 3 submitters: Uncertain significance (3). Last evaluated 2024-05-16.

Conditions:
Haddad syndrome (OHD). Also called: Ondine-Hirschsprung disease. Identifiers: Orphanet 99803, MedGen C1859049, MONDO:0020493.
Neuroblastoma, susceptibility to, 2. Identifiers: Orphanet 635, MedGen C2751682, MONDO:0700041, OMIM 613013.
Hereditary cancer-predisposing syndrome. Also called: Tumor predisposition; Hereditary Cancer Syndrome; Neoplastic Syndromes, Hereditary; Hereditary neoplastic syndrome. Identifiers: Orphanet 140162, MedGen C0027672, MeSH D009386, MONDO:0015356.

gnomAD v4.1: 1 of 1,613,844 alleles (0.000062%); highest among the groups gnomAD compares: Non-Finnish European, 0.000085%; no homozygotes.

Submissions (3):

Ambry Genetics
Classification: Uncertain significance for Hereditary cancer-predisposing syndrome. Last evaluated: 2024-05-16. Review status: criteria provided, single submitter. Criteria: Ambry Variant Classification Scheme 2023. Collection method: clinical testing. Allele origin: germline.
Comment: The p.E186K variant (also known as c.556G>A), located in coding exon 3 of the PHOX2B gene, results from a G to A substitution at nucleotide position 556. The glutamic acid at codon 186 is replaced by lysine, an amino acid with similar properties. This amino acid position is conserved. In addition, this alteration is predicted to be tolerated by in silico analysis. Since supporting evidence is limited at this time, the clinical significance of this alteration remains unclear.

Labcorp Genetics (formerly Invitae), Labcorp
Classification: Uncertain significance for Haddad syndrome. Last evaluated: 2023-07-03. Review status: criteria provided, single submitter. Criteria: Invitae Variant Classification Sherloc (09022015). Collection method: clinical testing. Allele origin: germline.
Comment: Advanced modeling of protein sequence and biophysical properties (such as structural, functional, and spatial information, amino acid conservation, physicochemical variation, residue mobility, and thermodynamic stability) performed at Invitae indicates that this missense variant is not expected to disrupt PHOX2B protein function. In summary, the available evidence is currently insufficient to determine the role of this variant in disease. Therefore, it has been classified as a Variant of Uncertain Significance. ClinVar contains an entry for this variant (Variation ID: 620600). This variant has not been reported in the literature in individuals affected with PHOX2B-related conditions. This variant is not present in population databases (gnomAD no frequency). This sequence change replaces glutamic acid, which is acidic and polar, with lysine, which is basic and polar, at codon 186 of the PHOX2B protein (p.Glu186Lys).

St. Jude Molecular Pathology, St. Jude Children's Research Hospital
Classification: Uncertain significance for Neuroblastoma, susceptibility to, 2. Last evaluated: 2020-12-16. Review status: criteria provided, single submitter. Criteria: St. Jude Assertion Criteria 2020. Collection method: clinical testing. Allele origin: germline.
Comment: The PHOX2B c.556G>A (p.Glu186Lys) missense change is absent in gnomAD v2.1.1 (PM2_Supporting). In silico tools predict a benign effect on the gene or protein function (BP4), however to our knowledge these predictions have not been confirmed by functional studies. This variant has not been identified in individuals with familial neuroblastoma. In summary, this variant meets criteria to be classified as of uncertain significance based on the ACMG/AMP criteria: PM2_Supporting, BP4.